The following is an entry in ClinVar:

NM_000204.5(CFI):c.848A>G (p.Asp283Gly)

Gene: CFI (complement factor I; minus strand). Cytogenetic location: 4q25.
Variant type: single nucleotide variant.
Coding change: c.848A>G on transcript NM_000204.5 (MANE Select); coding-DNA position 848, A replaced by G.
Protein change: p.Asp283Gly; replaces aspartic acid 283 with glycine.
Molecular consequence: missense variant. On other transcripts: non-coding transcript variant (3).
Genome position (GRCh38, 1-based): chr4:109,760,305, T>C on the plus strand (A>G on the coding strand, the complement: CFI is on the minus strand). VCF-style: chr4-109760305-T-C. GRCh37 (hg19) VCF-style: chr4-110681461-T-C.
Other names: c.848A>G, p.Asp283Gly (NM_001318057.2, NM_001331035.2, NM_001375278.1 and 5 more transcripts); c.239A>G, p.Asp80Gly (NM_001375284.1); short protein forms D283G, D80G.
Identifiers: ClinVar variation 1409197 (VCV001409197.13), dbSNP rs756201106, ClinGen allele CA3042152.

ClinVar aggregate classification (germline): Conflicting classifications of pathogenicity. Review status: criteria provided, conflicting classifications (1 of 4 stars). 5 submissions from 5 submitters: Likely pathogenic (2); Uncertain significance (3). Last evaluated 2026-09-17.

Conditions:
CFI-related disorder. Also called: CFI-related condition; CFI-related disorders. Identifiers: MedGen CN239325.
Atypical hemolytic-uremic syndrome with I factor anomaly. Also called: HEMOLYTIC UREMIC SYNDROME, ATYPICAL, SUSCEPTIBILITY TO, 3; AHUS, SUSCEPTIBILITY TO, 3. Identifiers: Orphanet 2134, MedGen C2752039, MONDO:0013041, OMIM 612923.
Age related macular degeneration 13. Identifiers: MedGen C3809523, MONDO:0014189, OMIM 615439.
Factor I deficiency (CFID). Also called: Complement factor I deficiency. Identifiers: Orphanet 200418, MedGen C3463916, MONDO:0012594, OMIM 610984.

Allele frequency attached by ClinVar (database versions not stated): TOPMed 0.00002; gnomAD exomes 0.00001 and 0.00003; gnomAD 0.00001; ExAC 0.00002.
gnomAD v4.1: 9 of 1,614,006 alleles (0.00056%); highest among the groups gnomAD compares: East Asian, 0.02%; no homozygotes.

Submissions (6):

Genomenon, Inc
Classification: Uncertain significance for CFI-related disorder. Last evaluated: 2026-09-17. Review status: criteria provided, single submitter. Criteria: Genomenon Sequence Variant Interpretation Standards - Updated. Collection method: curation. Allele origin: germline. Affected: yes.
Comment: CFI p.Asp283Gly (c.848A>G) is a missense variant that changes the amino acid at codon 283 from Aspartic acid to Glycine. This variant has been observed in at least one proband affected with a CFI-related disorder (PMID:37926536;29940891). Functional studies have been reported (PMID:34149444). It is absent or not present at a significant frequency in gnomAD. In silico models predict that this variant is possibly or probably damaging. In conclusion, we classify CFI p.Asp283Gly (c.848A>G) as a variant of uncertain significance.

Labcorp Genetics (formerly Invitae), Labcorp
Classification: Uncertain significance. Last evaluated: 2025-04-18. Review status: criteria provided, single submitter. Criteria: Invitae Variant Classification Sherloc (09022015). Collection method: clinical testing. Allele origin: germline.
Comment: This sequence change replaces aspartic acid, which is acidic and polar, with glycine, which is neutral and non-polar, at codon 283 of the CFI protein (p.Asp283Gly). This variant is present in population databases (rs756201106, gnomAD 0.03%). This missense change has been observed in individual(s) with C3 glomerulopathy and/or thrombotic microangiopathy (PMID: 29566171, 29940891, 35685318, 37926536). ClinVar contains an entry for this variant (Variation ID: 1409197). Invitae Evidence Modeling of protein sequence and biophysical properties (such as structural, functional, and spatial information, amino acid conservation, physicochemical variation, residue mobility, and thermodynamic stability) indicates that this missense variant is expected to disrupt CFI protein function with a positive predictive value of 80%. In summary, the available evidence is currently insufficient to determine the role of this variant in disease. Therefore, it has been classified as a Variant of Uncertain Significance.

Fulgent Genetics
Classification: Uncertain significance for Factor I deficiency; Atypical hemolytic-uremic syndrome with I factor anomaly; Age related macular degeneration 13. Last evaluated: 2024-03-26. Review status: criteria provided, single submitter. Criteria: ACMG Guidelines, 2015. Collection method: clinical testing. Allele origin: germline.

Blueprint Genetics
Classification: Likely pathogenic for CFI-related disorders. Last evaluated: 2020-03-02. Review status: criteria provided, single submitter. Criteria: ACMG Guidelines, 2015. Collection method: clinical testing. Allele origin: germline. Affected: yes. Observed: 1 variant allele.

Juno Genomics, Hangzhou Juno Genomics, Inc
Classification: Likely pathogenic for Atypical hemolytic-uremic syndrome with I factor anomaly; Age related macular degeneration 13; Factor I deficiency. Review status: criteria provided, single submitter. Criteria: ACMG Guidelines, 2015. Collection method: clinical testing. Allele origin: germline. Affected: yes.
Comment: Absent from controls (or at extremely low frequency if recessive) in Genome Aggregation Database.;Multiple lines of computational evidence support a deleterious effect on the gene or gene product.;Patient's phenotype or family history is highly specific for a disease with a single genetic etiology.

Dr. Peter K. Rogan Lab, Western University
No classification provided (evidence only). Condition: Thymoma. Review status: no classification provided. Collection method: in vitro. Allele origin: not applicable. Functional consequence: retained intron. Not counted in ClinVar's aggregate classification.

Literature cited by the submitters: PubMed 37926536 (cited by Genomenon, Inc and Labcorp Genetics (formerly Invitae), Labcorp); PubMed 29940891 (cited by Genomenon, Inc and Labcorp Genetics (formerly Invitae), Labcorp); PubMed 34149444 (cited by Genomenon, Inc); PubMed 29566171 (cited by Labcorp Genetics (formerly Invitae), Labcorp); PubMed 35685318 (cited by Labcorp Genetics (formerly Invitae), Labcorp).